The following is an entry in ClinVar:

NM_001440.4(EXTL3):c.1219A>G (p.Ser407Gly)

Gene: EXTL3 (exostosin like glycosyltransferase 3; plus strand). Cytogenetic location: 8p21.1.
Variant type: single nucleotide variant.
Coding change: c.1219A>G on transcript NM_001440.4 (MANE Select); coding-DNA position 1219, A replaced by G.
Protein change: p.Ser407Gly; replaces serine 407 with glycine.
Molecular consequence: missense variant.
Genome position (GRCh38, 1-based): chr8:28,717,278, A>G. VCF-style: chr8-28717278-A-G. GRCh37 (hg19) VCF-style: chr8-28574795-A-G.
Other names: c.1219A>G (NM_001440.2); short protein forms S407G.
Identifiers: ClinVar variation 2128865 (VCV002128865.3), dbSNP rs769868391, ClinGen allele CA4696165.

ClinVar aggregate classification (germline): Uncertain significance. Review status: criteria provided, multiple submitters, no conflicts (2 of 4 stars). 2 submissions from 2 submitters: Uncertain significance (2). Last evaluated 2024-03-30.

Conditions:
Inborn genetic diseases. Identifiers: MedGen C0950123, MeSH D030342.

Allele frequency attached by ClinVar (database versions not stated): gnomAD 0.00001; ExAC 0.00002; gnomAD exomes 0.00002.
gnomAD v4.1: 10 of 1,614,084 alleles (0.00062%); highest among the groups gnomAD compares: South Asian, 0.011%; no homozygotes.

Submissions (2):

Ambry Genetics
Classification: Uncertain significance for Inborn genetic diseases. Last evaluated: 2024-03-30. Review status: criteria provided, single submitter. Criteria: Ambry Variant Classification Scheme 2023. Collection method: clinical testing. Allele origin: germline.

Labcorp Genetics (formerly Invitae), Labcorp
Classification: Uncertain significance. Last evaluated: 2023-12-06. Review status: criteria provided, single submitter. Criteria: Invitae Variant Classification Sherloc (09022015). Collection method: clinical testing. Allele origin: germline.
Comment: This sequence change replaces serine, which is neutral and polar, with glycine, which is neutral and non-polar, at codon 407 of the EXTL3 protein (p.Ser407Gly). This variant is present in population databases (rs769868391, gnomAD 0.01%). This variant has not been reported in the literature in individuals affected with EXTL3-related conditions. ClinVar contains an entry for this variant (Variation ID: 2128865). Advanced modeling of protein sequence and biophysical properties (such as structural, functional, and spatial information, amino acid conservation, physicochemical variation, residue mobility, and thermodynamic stability) performed at Invitae indicates that this missense variant is not expected to disrupt EXTL3 protein function with a negative predictive value of 80%. In summary, the available evidence is currently insufficient to determine the role of this variant in disease. Therefore, it has been classified as a Variant of Uncertain Significance.